The following is an entry in ClinVar:

ClinVar aggregate classification (germline): Likely benign. Review status: criteria provided, multiple submitters, no conflicts (2 of 4 stars). 4 submissions from 4 submitters: Likely benign (3). 1 of the submissions does not count toward it. Last evaluated 2025-10-21.

Conditions:
MRPL3-related disorder. Also called: MRPL3-related condition.

Allele frequency attached by ClinVar (database versions not stated): ESP Exome Variant Server 0.00008; gnomAD 0.00014; 1000 Genomes Project 30x 0.00016; gnomAD exomes 0.00019 and 0.00032; 1000 Genomes Project 0.00020; TOPMed 0.00020; ExAC 0.00022.
gnomAD v4.1: 461 of 1,552,726 alleles (0.03%); highest among the groups gnomAD compares: Middle Eastern, 0.052%; no homozygotes.

Submissions (4):

Labcorp Genetics (formerly Invitae), Labcorp
Classification: Likely benign. Last evaluated: 2025-10-21. Review status: criteria provided, single submitter. Criteria: Invitae Variant Classification Sherloc (09022015). Collection method: clinical testing. Allele origin: germline.

Blueprint Genetics
Classification: Likely benign. Last evaluated: 2024-05-30. Review status: criteria provided, single submitter. Criteria: ACMG Guidelines, 2015. Collection method: clinical testing. Allele origin: germline.

GeneDx
Classification: Likely benign. Last evaluated: 2018-09-07. Review status: criteria provided, single submitter. Criteria: GeneDx Variant Classification Process June 2021. Collection method: clinical testing. Allele origin: germline. Affected: yes.

PreventionGenetics, part of Exact Sciences
Classification: Likely benign for MRPL3-related condition. Last evaluated: 2019-03-18. Review status: no assertion criteria provided. Collection method: clinical testing. Allele origin: germline. Not counted in ClinVar's aggregate classification.
Comment: This variant is classified as likely benign based on ACMG/AMP sequence variant interpretation guidelines (Richards et al. 2015 PMID: 25741868, with internal and published modifications).

NM_007208.4(MRPL3):c.885C>T (p.Cys295=)

Gene: MRPL3 (mitochondrial ribosomal protein L3; minus strand). Cytogenetic location: 3q22.1.
Variant type: single nucleotide variant.
Coding change: c.885C>T on transcript NM_007208.4 (MANE Select); coding-DNA position 885, C replaced by T.
Protein change: p.Cys295=; no amino-acid change (cysteine 295 retained).
Molecular consequence: synonymous variant.
Genome position (GRCh38, 1-based): chr3:131,468,100, G>A on the plus strand (C>T on the coding strand, the complement: MRPL3 is on the minus strand). VCF-style: chr3-131468100-G-A. GRCh37 (hg19) VCF-style: chr3-131186944-G-A.
Identifiers: ClinVar variation 507537 (VCV000507537.14), dbSNP rs201756957, ClinGen allele CA2616905.